The following is an entry in ClinVar:

NM_033026.6(PCLO):c.5969A>C (p.Glu1990Ala)

Gene: PCLO (piccolo presynaptic cytomatrix protein; minus strand). Cytogenetic location: 7q21.11.
Variant type: single nucleotide variant.
Coding change: c.5969A>C on transcript NM_033026.6 (MANE Select); coding-DNA position 5969, A replaced by C.
Protein change: p.Glu1990Ala; replaces glutamic acid 1990 with alanine.
Molecular consequence: missense variant.
Genome position (GRCh38, 1-based): chr7:82,954,984, T>G on the plus strand (A>C on the coding strand, the complement: PCLO is on the minus strand). VCF-style: chr7-82954984-T-G. GRCh37 (hg19) VCF-style: chr7-82584300-T-G.
Other names: c.5969A>C, p.Glu1990Ala (NM_014510.3); short protein forms E1990A.
Identifiers: ClinVar variation 1713779 (VCV001713779.5), dbSNP rs2535704750, ClinGen allele CA367921177.

ClinVar aggregate classification (germline): Uncertain significance (1 of 4 stars; one submission).

gnomAD v4.1: 1 of 1,613,844 alleles (0.000062%); highest among the groups gnomAD compares: South Asian, 0.0011%; no homozygotes.

Submission:

Labcorp Genetics (formerly Invitae), Labcorp
Classification: Uncertain significance. Last evaluated: 2022-10-14. Review status: criteria provided, single submitter. Criteria: Invitae Variant Classification Sherloc (09022015). Collection method: clinical testing. Allele origin: germline.
Comment: This variant has not been reported in the literature in individuals affected with PCLO-related conditions. Algorithms developed to predict the effect of missense changes on protein structure and function are either unavailable or do not agree on the potential impact of this missense change (SIFT: "Deleterious"; PolyPhen-2: "Not Available"; Align-GVGD: "Class C0"). In summary, the available evidence is currently insufficient to determine the role of this variant in disease. Therefore, it has been classified as a Variant of Uncertain Significance. This sequence change replaces glutamic acid, which is acidic and polar, with alanine, which is neutral and non-polar, at codon 1990 of the PCLO protein (p.Glu1990Ala). This variant is not present in population databases (gnomAD no frequency).